The following is an entry in ClinVar:

ClinVar aggregate classification (germline): Uncertain significance (1 of 4 stars; one submission).

gnomAD v4.1: 2 of 1,182,766 alleles (0.00017%); highest among the groups gnomAD compares: East Asian, 0.0062%; no homozygotes.

Submission:

GeneDx
Classification: Uncertain significance. Last evaluated: 2025-09-12. Review status: criteria provided, single submitter. Criteria: GeneDx Variant Classification Process June 2021. Collection method: clinical testing. Allele origin: germline. Affected: yes.
Comment: Not observed at significant frequency in large population cohorts (gnomAD); In silico analysis suggests that this missense variant does not alter protein structure/function; Has not been previously published as pathogenic or benign to our knowledge; Reported using an alternate transcript of the gene

NM_006013.5(RPL10):c.*101C>A

Gene: RPL10 (ribosomal protein L10; plus strand). Cytogenetic location: Xq28.
Variant type: single nucleotide variant.
Coding change: c.*101C>A on transcript NM_006013.5 (MANE Select); 101 bases downstream of the stop codon, C replaced by A.
Molecular consequence: 3 prime UTR variant. On other transcripts: missense variant (1).
Genome position (GRCh38, 1-based): chrX:154,400,955, C>A. VCF-style: chrX-154400955-C-A. GRCh37 (hg19) VCF-style: chrX-153629296-C-A.
Other names: c.583C>A, p.Pro195Thr (NM_001256577.2); c.*101C>A (NM_001256580.2, NM_001303624.2, NM_001303625.1); c.*297C>A (NM_001303626.1); short protein forms P195T.
Identifiers: ClinVar variation 4813391 (VCV004813391.1).